The following is an entry in ClinVar:

ClinVar aggregate classification (germline): Conflicting classifications of pathogenicity. Review status: criteria provided, conflicting classifications (1 of 4 stars). 6 submissions from 6 submitters: Uncertain significance (1); Benign (1); Likely benign (4). Last evaluated 2025-10-08.

Conditions:
Hereditary cancer-predisposing syndrome. Also called: Hereditary neoplastic syndrome; Neoplastic Syndromes, Hereditary; Tumor predisposition; Hereditary Cancer Syndrome. Identifiers: Orphanet 140162, MedGen C0027672, MeSH D009386, MONDO:0015356.
Breast-ovarian cancer, familial, susceptibility to, 4. Identifiers: Orphanet 145, MedGen C3280345, MONDO:0013669, OMIM 614291.

Allele frequency attached by ClinVar (database versions not stated): ExAC 0.00002; gnomAD exomes 0.00002; TOPMed 0.00002.
gnomAD v4.1: 24 of 1,614,102 alleles (0.0015%); highest among the groups gnomAD compares: East Asian, 0.0022%; no homozygotes.

Submissions (6):

Quest Diagnostics Nichols Institute San Juan Capistrano
Classification: Likely benign. Last evaluated: 2025-10-08. Review status: criteria provided, single submitter. Criteria: Quest Diagnostics criteria. Collection method: clinical testing. Allele origin: unknown.

GeneDx
Classification: Uncertain significance. Last evaluated: 2025-05-14. Review status: criteria provided, single submitter. Criteria: GeneDx Variant Classification Process June 2021. Collection method: clinical testing. Allele origin: germline. Affected: yes.
Comment: Not observed at significant frequency in large population cohorts (gnomAD); Has not been previously published as pathogenic or benign to our knowledge; In silico analysis suggests this variant may impact gene splicing. In the absence of RNA/functional studies, the actual effect of this sequence change is unknown

Myriad Genetics, Inc.
Classification: Benign for Breast-ovarian cancer, familial, susceptibility to, 4. Last evaluated: 2025-02-21. Review status: criteria provided, single submitter. Criteria: Myriad Autosomal Dominant, Autosomal Recessive and X-Linked Classification Criteria (2023). Collection method: clinical testing. Allele origin: unknown.
Comment: This variant is considered benign. This variant is a silent/synonymous amino acid change and it is not expected to impact splicing.

Labcorp Genetics (formerly Invitae), Labcorp
Classification: Likely benign for Breast-ovarian cancer, familial, susceptibility to, 4. Last evaluated: 2024-12-06. Review status: criteria provided, single submitter. Criteria: Invitae Variant Classification Sherloc (09022015). Collection method: clinical testing. Allele origin: germline.

Color Diagnostics, LLC DBA Color Health
Classification: Likely benign for Hereditary cancer-predisposing syndrome. Last evaluated: 2018-06-26. Review status: criteria provided, single submitter. Criteria: ACMG Guidelines, 2015. Collection method: clinical testing. Allele origin: germline.

Ambry Genetics
Classification: Likely benign for Hereditary cancer-predisposing syndrome. Last evaluated: 2014-08-22. Review status: criteria provided, single submitter. Criteria: Ambry Variant Classification Scheme 2023. Collection method: clinical testing. Allele origin: germline.

NM_002878.4(RAD51D):c.393C>T (p.Asn131=)

Genes: RAD51D (RAD51 paralog D; minus strand), RAD51L3-RFFL (RAD51L3-RFFL readthrough; minus strand). Cytogenetic location: 17q12.
Variant type: single nucleotide variant.
Coding change: c.393C>T on transcript NM_002878.4 (MANE Select); coding-DNA position 393, C replaced by T.
Protein change: p.Asn131=; no amino-acid change (asparagine 131 retained).
Molecular consequence: synonymous variant. On other transcripts: non-coding transcript variant (1), intron variant (1).
Genome position (GRCh38, 1-based): chr17:35,107,075, G>A on the plus strand (C>T on the coding strand, the complement: RAD51D is on the minus strand). VCF-style: chr17-35107075-G-A. GRCh37 (hg19) VCF-style: chr17-33434094-G-A.
Other names: c.453C>T, p.Asn151= (NM_001142571.2); c.145-594C>T (NM_133629.3).
Identifiers: ClinVar variation 186031 (VCV000186031.24), dbSNP rs772605790, ClinGen allele CA193667.